The following is an entry in ClinVar:

ClinVar aggregate classification (germline): Likely benign (1 of 4 stars; one submission).

Submission:

CeGaT Center for Human Genetics Tuebingen
Classification: Likely benign. Last evaluated: 2026-04-01. Review status: criteria provided, single submitter. Criteria: CeGaT Center For Human Genetics Tuebingen Variant Classification Criteria Version 2. Collection method: clinical testing. Allele origin: germline. Affected: yes. Observed: 1 variant allele.
Comment: CEL: BP4, BP7

NM_001807.6(CEL):c.1947G>C (p.Pro649=)

Gene: CEL (carboxyl ester lipase; plus strand). Cytogenetic location: 9q34.13.
Variant type: single nucleotide variant.
Coding change: c.1947G>C on transcript NM_001807.6 (MANE Select); coding-DNA position 1947, G replaced by C.
Protein change: p.Pro649=; no amino-acid change (proline 649 retained).
Molecular consequence: synonymous variant.
Genome position (GRCh38, 1-based): chr9:133,071,449, G>C. VCF-style: chr9-133071449-G-C. GRCh37 (hg19) VCF-style: chr9-135946836-G-C.
Identifiers: ClinVar variation 4872138 (VCV004872138.2).